The following is an entry in ClinVar:

NM_206943.4(LTBP1):c.4013A>T (p.Asp1338Val)

Gene: LTBP1 (latent transforming growth factor beta binding protein 1; plus strand). Cytogenetic location: 2p22.3.
Variant type: single nucleotide variant.
Coding change: c.4013A>T on transcript NM_206943.4 (MANE Select); coding-DNA position 4013, A replaced by T.
Protein change: p.Asp1338Val; replaces aspartic acid 1338 with valine.
Molecular consequence: missense variant.
Genome position (GRCh38, 1-based): chr2:33,360,609, A>T. VCF-style: chr2-33360609-A-T. GRCh37 (hg19) VCF-style: chr2-33585676-A-T.
Other names: c.2891A>T, p.Asp964Val (NM_001394912.1); c.2873A>T, p.Asp958Val (NM_001394913.1); c.2825A>T, p.Asp942Val (NM_001394914.1, NM_001394915.1); c.2792A>T, p.Asp931Val (NM_001394916.1); c.2783A>T, p.Asp928Val (NM_001394917.1); c.2765A>T, p.Asp922Val (NM_001394918.1); c.2762A>T, p.Asp921Val (NM_001394919.1); c.2750A>T, p.Asp917Val (NM_001394920.1, NM_001166266.2); and 13 more; short protein forms D1011V, D1012V, D1285V, D1338V, D827V, D869V, D875V, D877V.
Identifiers: ClinVar variation 3026216 (VCV003026216.22), dbSNP rs2482881451, ClinGen allele CA346563279.

ClinVar aggregate classification (germline): Uncertain significance (1 of 4 stars; one submission).

Submission:

CeGaT Center for Human Genetics Tuebingen
Classification: Uncertain significance. Last evaluated: 2024-02-01. Review status: criteria provided, single submitter. Criteria: CeGaT Center For Human Genetics Tuebingen Variant Classification Criteria Version 2. Collection method: clinical testing. Allele origin: germline. Affected: yes. Observed: 1 variant allele.
Comment: LTBP1: PM2, BP4